The following is an entry in ClinVar:

NM_153006.3(NAGS):c.622C>T (p.Arg208Ter)

Gene: NAGS (N-acetylglutamate synthase; plus strand). Cytogenetic location: 17q21.31.
Variant type: single nucleotide variant.
Coding change: c.622C>T on transcript NM_153006.3 (MANE Select); coding-DNA position 622, C replaced by T.
Protein change: p.Arg208Ter; replaces arginine 208 with a stop codon.
Molecular consequence: nonsense.
Genome position (GRCh38, 1-based): chr17:44,005,832, C>T. VCF-style: chr17-44005832-C-T. GRCh37 (hg19) VCF-style: chr17-42083200-C-T.
Other names: short protein forms R208*.
Identifiers: ClinVar variation 423798 (VCV000423798.10), dbSNP rs762205848, ClinGen allele CA8595180.
Genomic context (GRCh38, chr17:44,005,832, plus strand): 5'-TCCTTCTGGGAGGCCAAGGCGCAGCTGGCCAAGAGCTGCAAGGTGCTGGTAGACGCGCTT[C>T]GACACAACGCCGCCGCTGCTGTGCCATTTTTTGGCGGCGGGTCTGTGCTACGCGCTGCCG-3'

ClinVar aggregate classification (germline): Pathogenic/Likely pathogenic. Review status: criteria provided, multiple submitters, no conflicts (2 of 4 stars). 5 submissions from 5 submitters: Pathogenic (4); Likely pathogenic (1). Last evaluated 2025-12-17.

Conditions:
Hyperammonemia, type III (NAGSD). Also called: Hyperammonemia due to N-acetylglutamate synthase deficiency. Identifiers: Orphanet 927, MedGen C0268543, MONDO:0009377, OMIM 237310.

Allele frequency attached by ClinVar (database versions not stated): ExAC 0.00007.
gnomAD v4.1: 31 of 1,571,322 alleles (0.002%); highest among the groups gnomAD compares: Non-Finnish European, 0.0027%; no homozygotes.

Submissions (5):

Natera, Inc.
Classification: Pathogenic for Hyperammonemia type III. Last evaluated: 2025-12-17. Review status: criteria provided, single submitter. Criteria: Natera Variant Classification Schema (03/2026). Collection method: clinical testing. Allele origin: germline.
Comment: The c.622C>T variant in NAGS is a nonsense variant predicted to introduce a stop codon at amino acid 208. This variant is expected to result in nonsense mediated decay, truncation, or a dysfunctional protein product. This variant is rare in the general population with a frequency below the threshold expected for the associated phenotype(s). This variant has been observed in one or more individuals affected with the associated recessive disease, as either homozygous or compound heterozygous with a second variant (PMID: 36101823). Given the available evidence, this variant is classified as Pathogenic.

Women's Health and Genetics/Laboratory Corporation of America, LabCorp
Classification: Pathogenic for Hyperammonemia, type III. Last evaluated: 2024-11-13. Review status: criteria provided, single submitter. Criteria: LabCorp Variant Classification Summary - May 2015. Collection method: clinical testing. Allele origin: germline.
Comment: Variant summary: NAGS c.622C>T (p.Arg208X) results in a premature termination codon, predicted to cause a truncation of the encoded protein or absence of the protein due to nonsense mediated decay, which are commonly known mechanisms for disease. The variant allele was found at a frequency of 1.1e-05 in 177028 control chromosomes. c.622C>T has been reported in the literature in a compound heterozygous individual affected with Hyperammonemia, type III (Selvanathan_2022). To our knowledge, no experimental evidence demonstrating an impact on protein function has been reported. The following publication have been ascertained in the context of this evaluation (PMID: 36101823). ClinVar contains an entry for this variant (Variation ID: 423798). Based on the evidence outlined above, the variant was classified as pathogenic.

Labcorp Genetics (formerly Invitae), Labcorp
Classification: Pathogenic for Hyperammonemia, type III. Last evaluated: 2024-02-16. Review status: criteria provided, single submitter. Criteria: Invitae Variant Classification Sherloc (09022015). Collection method: clinical testing. Allele origin: germline.
Comment: This sequence change creates a premature translational stop signal (p.Arg208*) in the NAGS gene. It is expected to result in an absent or disrupted protein product. Loss-of-function variants in NAGS are known to be pathogenic (PMID: 12594532). The frequency data for this variant in the population databases is considered unreliable, as metrics indicate poor data quality at this position in the gnomAD database. This variant has not been reported in the literature in individuals affected with NAGS-related conditions. ClinVar contains an entry for this variant (Variation ID: 423798). For these reasons, this variant has been classified as Pathogenic.

Baylor Genetics
Classification: Pathogenic for Hyperammonemia, type III. Last evaluated: 2023-08-29. Review status: criteria provided, single submitter. Criteria: ACMG Guidelines, 2015. Collection method: clinical testing. Allele origin: unknown.

GeneDx
Classification: Likely pathogenic. Last evaluated: 2017-03-08. Review status: criteria provided, single submitter. Criteria: GeneDx Variant Classification (06012015). Collection method: clinical testing. Allele origin: germline. Affected: yes.
Comment: The R208X nonsense variant in the NAGS gene is predicted to cause loss of normal protein function either through protein truncation or nonsense-mediated mRNA decay. The R208X variant is not observed at a significant frequency in large population cohorts (Lek et al., 2016; 1000 Genomes Consortium et al., 2015; Exome Variant Server). Although this variant has not been reported previously to our knowledge, it is likely a pathogenic variant.

Literature cited by the submitters: PubMed 36101823 (cited by Natera, Inc. and Women's Health and Genetics/Laboratory Corporation of America, LabCorp); PubMed 12594532 (cited by Labcorp Genetics (formerly Invitae), Labcorp).